The following is an entry in ClinVar:

NM_005223.4(DNASE1):c.567C>T (p.Gly189=)

Gene: DNASE1 (deoxyribonuclease 1; plus strand). Cytogenetic location: 16p13.3.
Variant type: single nucleotide variant.
Coding change: c.567C>T on transcript NM_005223.4 (MANE Select); coding-DNA position 567, C replaced by T.
Protein change: p.Gly189=; no amino-acid change (glycine 189 retained).
Molecular consequence: synonymous variant. On other transcripts: non-coding transcript variant (2).
Genome position (GRCh38, 1-based): chr16:3,657,204, C>T. VCF-style: chr16-3657204-C-T. GRCh37 (hg19) VCF-style: chr16-3707205-C-T.
Other names: NC_000016.9:g.3707205C>T; c.567C>T, p.Gly189= (NM_001351825.2, NM_001387135.1, NM_001387140.1); c.636C>T, p.Gly212= (NM_001387139.1); c.360C>T, p.Gly120= (NM_001387141.1).
Identifiers: ClinVar variation 1284907 (VCV001284907.37), dbSNP rs8175352, ClinGen allele CA7867381.

ClinVar aggregate classification (germline): Benign/Likely benign. Review status: criteria provided, multiple submitters, no conflicts (2 of 4 stars). 4 submissions from 4 submitters: Benign (1); Likely benign (1). 2 of the submissions do not count toward it. Last evaluated 2025-01-01.

Allele frequency attached by ClinVar (database versions not stated): 1000 Genomes Project 30x 0.00031; 1000 Genomes Project 0.00040; TOPMed 0.00122; gnomAD 0.00133 and 0.00139; ESP Exome Variant Server 0.00215; gnomAD exomes 0.00238.
gnomAD v4.1: 3,625 of 1,614,026 alleles (0.22%); highest among the groups gnomAD compares: Non-Finnish European, 0.28%; 15 homozygotes.

Submissions (5):

CeGaT Center for Human Genetics Tuebingen
Classification: Likely benign. Last evaluated: 2025-01-01. Review status: criteria provided, single submitter. Criteria: CeGaT Center For Human Genetics Tuebingen Variant Classification Criteria Version 2. Collection method: clinical testing. Allele origin: germline. Affected: yes. Observed: 4 variant alleles.
Comment: DNASE1: BP4, BP7, BS2

Breakthrough Genomics
Classification: Benign. Review status: criteria provided, single submitter. Criteria: ACMG Guidelines, 2015. Collection method: not provided. Allele origin: germline. Inheritance: Autosomal dominant inheritance. Affected: yes.

Clinical Genetics DNA and cytogenetics Diagnostics Lab, Erasmus MC, Erasmus Medical Center
Classification: Likely benign. Review status: no assertion criteria provided. Collection method: clinical testing. Allele origin: germline. Affected: yes. Study: VKGL Data-share Consensus. Not counted in ClinVar's aggregate classification.

Dr. Peter K. Rogan Lab, Western University
No classification provided (evidence only). Condition: Ovarian serous cystadenocarcinoma. Review status: no classification provided. Collection method: in vitro. Allele origin: not applicable. Functional consequence: skipped exon, retained intron. Not counted in ClinVar's aggregate classification.

Genome Diagnostics Laboratory, University Medical Center Utrecht
Classification: Likely benign. Review status: no assertion criteria provided. Collection method: clinical testing. Allele origin: germline. Affected: yes. Study: VKGL Data-share Consensus. Not counted in ClinVar's aggregate classification.